The following is an entry in ClinVar:

ClinVar aggregate classification (germline): Uncertain significance (1 of 4 stars; one submission).

Conditions:
Intellectual developmental disorder, X-linked, syndromic, Pilorge type. Identifiers: MedGen C5676881, MONDO:0024772, OMIM 301076.

Submission:

Foundation for Research in Genetics and Endocrinology, FRIGE's Institute of Human Genetics
Classification: Uncertain significance for Intellectual developmental disorder, X-linked, syndromic, Pilorge type. Last evaluated: 2024-10-18. Review status: criteria provided, single submitter. Criteria: ACMG Guidelines, 2015. Collection method: clinical testing. Allele origin: germline. Inheritance: X-linked inheritance. Affected: yes. Observed: 1 heterozygote.
Comment: A heterozygous missense variant in exon 6 of the GLRA2 gene that results in the amino acid substitution of Glutamine for Glutamic acid at codon 214 (p.Glu214Gln) was detected. This variant has not been reported in the 1000 genomes, gnomAD (v3.1), gnomAD (v2.1), and topmed databases. The in silico predictions of the variant are damaging by SIFT and LRT. The reference codon is conserved across species. In summary, the variant meets our criteria to be classified as a variant of uncertain significance.

NM_002063.4(GLRA2):c.640G>C (p.Glu214Gln)

Gene: GLRA2 (glycine receptor alpha 2; plus strand). Cytogenetic location: Xp22.2.
Variant type: single nucleotide variant.
Coding change: c.640G>C on transcript NM_002063.4 (MANE Select); coding-DNA position 640, G replaced by C.
Protein change: p.Glu214Gln; replaces glutamic acid 214 with glutamine.
Molecular consequence: missense variant.
Genome position (GRCh38, 1-based): chrX:14,607,193, G>C. VCF-style: chrX-14607193-G-C. GRCh37 (hg19) VCF-style: chrX-14625315-G-C.
Other names: p.Glu214Gln; c.640G>C, p.Glu214Gln (NM_001118885.2, NM_001118886.2); c.373G>C, p.Glu125Gln (NM_001171942.2); short protein forms E125Q, E214Q.
Identifiers: ClinVar variation 3366873 (VCV003366873.2).
Genomic context (GRCh38, chrX:14,607,193, plus strand): 5'-GGGTACACGATGAATGACCTGATATTTGAGTGGTTAAGTGATGGTCCAGTGCAAGTTGCT[G>C]AAGGATTGACCCTGCCCCAGTTTATTTTGAAAGAAGAGAAGGAACTTGGCTACTGTACAA-3'
Protein context (NP_002054.1, residues 204-224): WLSDGPVQVA[Glu214Gln]GLTLPQFILK